The following is an entry in ClinVar:

ClinVar aggregate classification (germline): Uncertain significance (1 of 4 stars; one submission).

Submission:

Greenwood Genetic Center Diagnostic Laboratories, Greenwood Genetic Center
Classification: Uncertain significance. Last evaluated: 2024-05-20. Review status: criteria provided, single submitter. Criteria: ACMG Guidelines, 2015. Collection method: clinical testing. Allele origin: germline. Affected: yes.
Comment: PM2, PP3

NM_014727.3(KMT2B):c.7886A>G (p.Tyr2629Cys)

Gene: KMT2B (lysine methyltransferase 2B; plus strand). Cytogenetic location: 19q13.12.
Variant type: single nucleotide variant.
Coding change: c.7886A>G on transcript NM_014727.3 (MANE Select); coding-DNA position 7886, A replaced by G.
Protein change: p.Tyr2629Cys; replaces tyrosine 2629 with cysteine.
Molecular consequence: missense variant.
Genome position (GRCh38, 1-based): chr19:35,738,295, A>G. VCF-style: chr19-35738295-A-G. GRCh37 (hg19) VCF-style: chr19-36229196-A-G.
Other names: short protein forms Y2629C.
Identifiers: ClinVar variation 3338512 (VCV003338512.1).